The following is an entry in ClinVar:

NM_001330700.2(TOP2B):c.3845C>T (p.Pro1282Leu)

Gene: TOP2B (DNA topoisomerase II beta; minus strand). Cytogenetic location: 3p24.2.
Variant type: single nucleotide variant.
Coding change: c.3845C>T on transcript NM_001330700.2 (MANE Select); coding-DNA position 3845, C replaced by T.
Protein change: p.Pro1282Leu; replaces proline 1282 with leucine.
Molecular consequence: missense variant.
Genome position (GRCh38, 1-based): chr3:25,609,654, G>A on the plus strand (C>T on the coding strand, the complement: TOP2B is on the minus strand). VCF-style: chr3-25609654-G-A. GRCh37 (hg19) VCF-style: chr3-25651145-G-A.
Other names: c.3830C>T, p.Pro1277Leu (NM_001068.3); short protein forms P1277L, P1282L.
Identifiers: ClinVar variation 3019436 (VCV003019436.3), dbSNP rs1702320546, ClinGen allele CA351894407.

ClinVar aggregate classification (germline): Uncertain significance (1 of 4 stars; one submission).

Allele frequency attached by ClinVar (database versions not stated): TOPMed 0.00001.

Submission:

Labcorp Genetics (formerly Invitae), Labcorp
Classification: Uncertain significance. Last evaluated: 2023-02-21. Review status: criteria provided, single submitter. Criteria: Invitae Variant Classification Sherloc (09022015). Collection method: clinical testing. Allele origin: germline.
Comment: This sequence change replaces proline, which is neutral and non-polar, with leucine, which is neutral and non-polar, at codon 1277 of the TOP2B protein (p.Pro1277Leu). In summary, the available evidence is currently insufficient to determine the role of this variant in disease. Therefore, it has been classified as a Variant of Uncertain Significance. An algorithm developed to predict the effect of missense changes on protein structure and function (PolyPhen-2) suggests that this variant is likely to be tolerated. This variant has not been reported in the literature in individuals affected with TOP2B-related conditions. This variant is not present in population databases (gnomAD no frequency).